The following is an entry in ClinVar:

NM_002386.4(MC1R):c.493G>A (p.Val165Ile)

Gene: MC1R (melanocortin 1 receptor; plus strand). Cytogenetic location: 16q24.3.
Variant type: single nucleotide variant.
Coding change: c.493G>A on transcript NM_002386.4 (MANE Select); coding-DNA position 493, G replaced by A.
Protein change: p.Val165Ile; replaces valine 165 with isoleucine.
Molecular consequence: missense variant.
Genome position (GRCh38, 1-based): chr16:89,919,751, G>A. VCF-style: chr16-89919751-G-A. GRCh37 (hg19) VCF-style: chr16-89986159-G-A.
Other names: short protein forms V165I.
Identifiers: ClinVar variation 1008430 (VCV001008430.8), dbSNP rs762096175, ClinGen allele CA8255622.
Genomic context (GRCh38, chr16:89,919,751, plus strand): 5'-TCCATCTTCTACGCACTGCGCTACCACAGCATCGTGACCCTGCCGCGGGCGCGGCGAGCC[G>A]TTGCGGCCATCTGGGTGGCCAGTGTCGTCTTCAGCACGCTCTTCATCGCCTACTACGACC-3'
Protein context (NP_002377.4, residues 155-175): IVTLPRARRA[Val165Ile]AAIWVASVVF

ClinVar aggregate classification (germline): Uncertain significance (1 of 4 stars; one submission).

Conditions:
Melanoma, cutaneous malignant, susceptibility to, 5. Also called: Cutaneous malignant melanoma 5. Identifiers: Orphanet 618, MedGen C2751295, MONDO:0013133, OMIM 613099.

Allele frequency attached by ClinVar (database versions not stated): gnomAD 0.00001; gnomAD exomes 0.00001; ExAC 0.00002.
gnomAD v4.1: 16 of 1,608,130 alleles (0.00099%); highest among the groups gnomAD compares: South Asian, 0.0044%; no homozygotes.

Submission:

Labcorp Genetics (formerly Invitae), Labcorp
Classification: Uncertain significance for Melanoma, cutaneous malignant, susceptibility to, 5. Last evaluated: 2026-01-14. Review status: criteria provided, single submitter. Criteria: Invitae Variant Classification Sherloc (09022015). Collection method: clinical testing. Allele origin: germline.
Comment: This sequence change replaces valine, which is neutral and non-polar, with isoleucine, which is neutral and non-polar, at codon 165 of the MC1R protein (p.Val165Ile). This variant is not present in population databases (gnomAD no frequency). This variant has not been reported in the literature in individuals affected with MC1R-related conditions. ClinVar contains an entry for this variant (Variation ID: 1008430). Invitae Evidence Modeling of protein sequence and biophysical properties (such as structural, functional, and spatial information, amino acid conservation, physicochemical variation, residue mobility, and thermodynamic stability) indicates that this missense variant is not expected to disrupt MC1R protein function with a negative predictive value of 80%. Experimental studies have shown that this missense change does not substantially affect MC1R function (PMID: 23522749). In summary, the available evidence is currently insufficient to determine the role of this variant in disease. Therefore, it has been classified as a Variant of Uncertain Significance.

Literature cited by the submitters: PubMed 23522749.